The following is an entry in ClinVar:

ClinVar aggregate classification (germline): Benign (3 of 4 stars; one submission).

Conditions:
Breast-ovarian cancer, familial, susceptibility to, 1 (BROVCA1). Also called: BRCA1 Hereditary Breast and Ovarian Cancer; OVARIAN CANCER, SUSCEPTIBILITY TO. Identifiers: Orphanet 145, MedGen C2676676, MONDO:0011450, OMIM 604370. Disease mechanism: loss of function.

Allele frequency attached by ClinVar (database versions not stated): 1000 Genomes Project 0.00379; gnomAD 0.00404 and 0.00431; 1000 Genomes Project 30x 0.00422; TOPMed 0.00438.
gnomAD v4.1: 605 of 152,206 alleles (0.4%); highest among the groups gnomAD compares: African/African-American, 1.4%; 5 homozygotes.

Submission:

Evidence-based Network for the Interpretation of Germline Mutant Alleles (ENIGMA)
Classification: Benign for Breast-ovarian cancer, familial 1. Last evaluated: 2015-01-12. Review status: reviewed by expert panel. Criteria: ENIGMA BRCA1/2 Classification Criteria (2015). Collection method: curation. Allele origin: germline.
Comment: Class 1 not pathogenic based on frequency >1% in an outbred sampleset. Frequency 0.01626 (African), derived from 1000 genomes (2012-04-30).

NM_007294.4(BRCA1):c.548-1135A>G

Gene: BRCA1 (BRCA1 DNA repair associated; minus strand). Cytogenetic location: 17q21.31.
Variant type: single nucleotide variant.
Coding change: c.548-1135A>G on transcript NM_007294.4 (MANE Select); 1135 bases into the intron before coding-DNA position 548, A replaced by G.
Molecular consequence: intron variant.
Genome position (GRCh38, 1-based): chr17:43,098,424, T>C on the plus strand (A>G on the coding strand, the complement: BRCA1 is on the minus strand). VCF-style: chr17-43098424-T-C. GRCh37 (hg19) VCF-style: chr17-41250441-T-C.
Other names: IVS 8-1135A>G; c.547+1351A>G (NM_001408436.1, NM_001407665.1, NM_001408494.1 and 35 more transcripts); c.548-1135A>G (NM_001407980.1, NM_001407993.1, NM_001407976.1 and 58 more transcripts); c.413-1135A>G (NM_001408451.1); c.335-1135A>G (NM_001407898.1, NM_001408491.1, NM_001407918.1 and 12 more transcripts); c.338-1135A>G (NM_001407881.1, NM_001408506.1, NM_001408481.1 and 27 more transcripts); c.403+1351A>G (NM_001407932.1, NM_001408503.1, NM_001407934.1 and 6 more transcripts); c.404-1135A>G (NM_001408464.1, NM_001407742.1, NM_001408468.1 and 26 more transcripts); and 15 more.
Identifiers: ClinVar variation 209456 (VCV000209456.2), dbSNP rs145668291, ClinGen allele CA276427.